The following is an entry in ClinVar:

NM_000540.3(RYR1):c.11969G>T (p.Gly3990Val)

Gene: RYR1 (ryanodine receptor 1; plus strand). Cytogenetic location: 19q13.2.
Variant type: single nucleotide variant.
Coding change: c.11969G>T on transcript NM_000540.3 (MANE Select); coding-DNA position 11969, G replaced by T.
Protein change: p.Gly3990Val; replaces glycine 3990 with valine.
Molecular consequence: missense variant.
Genome position (GRCh38, 1-based): chr19:38,543,832, G>T. VCF-style: chr19-38543832-G-T. GRCh37 (hg19) VCF-style: chr19-39034472-G-T.
Other names: NM_000540.3(RYR1):c.11969G>T; c.11954G>T, p.Gly3985Val (NM_001042723.2); short protein forms G3990V, G3985V.
Identifiers: ClinVar variation 133027 (VCV000133027.7), dbSNP rs193922843, ClinGen allele CA023953.

ClinVar aggregate classification (germline): Pathogenic; drug response. Review status: reviewed by expert panel (3 of 4 stars). 10 submissions from 4 submitters: Pathogenic (1). 2 of the submissions do not count toward it. Last evaluated 2022-09-08.

Conditions:
Malignant hyperthermia of anesthesia. Also called: Anesthesic-triggered malignant hyperthermia. Identifiers: Orphanet 423, MedGen C0024591, MONDO:0018493, HP:0034733.
Malignant hyperthermia, susceptibility to, 1 (MHS1). Also called: RYR1-Related Malignant Hyperthermia Susceptibility; Malignant hyperthermia suceptibility 1; Anesthesia related hyperthermia; Malignant hyperpyrexia; Fulminating hyperpyrexia; Pharmacogenic myopathy. Identifiers: Orphanet 423, MedGen C2930980, MONDO:0007783, OMIM 145600.
succinylcholine response - Toxicity.
sevoflurane response - Toxicity.
methoxyflurane response - Toxicity.
isoflurane response - Toxicity.
halothane response - Toxicity.
enflurane response - Toxicity.
desflurane response - Toxicity.

gnomAD v4.1: 4 of 1,613,900 alleles (0.00025%); highest among the groups gnomAD compares: Non-Finnish European, 0.00034%; no homozygotes.

Submissions (10):

ClinGen Malignant Hyperthermia Susceptibility Variant Curation Expert Panel, ClinGen
Classification: Pathogenic for Malignant hyperthermia, susceptibility to, 1. Last evaluated: 2022-09-08. Review status: reviewed by expert panel. Criteria: ClinGen MHS ACMG Specifications V2. Collection method: curation. Allele origin: germline. Inheritance: Autosomal dominant inheritance.
Comment: This pathogenicity assessment is relevant only for malignant hyperthermia susceptibility (MHS) inherited in an autosomal dominant pattern. Variants in RYR1 can also cause other myopathies inherited in an autosomal dominant pattern or in an autosomal recessive pattern. Some of these disorders may predispose individuals to malignant hyperthermia. RYR1 variants may also contribute to a malignant hyperthermia reaction in combination with other genetic and non-genetic factors and the clinician needs to consider such factors in making management decisions. This sequence variant predicts a substitution of glycine with valine at codon 3990 of the RYR1 protein, p.(Gly3990Val). This variant is not present in a large population database (gnomAD) at the time this variant was interpreted. This variant has been reported in 11 unrelated individuals who have a personal or family history of a malignant hyperthermia reaction, 11 of these individuals had a positive in vitro contracture test (IVCT) or caffeine halothane contracture test (CHCT) result (if the proband was unavailable for testing, a positive diagnostic test result in a mutation-positive relative was counted), PS4 (PMID:30236257). Functional studies in HEK293 cells show an increased sensitivity to RYR1 agonists, PS3_Moderate (PMID:28403410). This variant does not reside in a hotspot for pathogenic variants that contribute to MHS. This variant segregates with MHS in 10 individuals, PP1_Strong (PMID:28403410). A REVEL score of 0.75 supports neither a pathogenic nor a benign status for this variant. This variant has been classified as Pathogenic. Criteria implemented: PS3_Moderate, PS4, PP1_Strong.

ClinPGx
Classification: drug response for desflurane response - Toxicity. Last evaluated: 2021-03-24. Review status: reviewed by expert panel. Criteria: Pharmacogenomics knowledge for personalized medicine. Collection method: curation. Allele origin: germline. Affected: yes.
Comment: PharmGKB Level of Evidence 1A: Level 1A clinical annotations describe variant-drug combinations that have variant-specific prescribing guidance available in a current clinical guideline annotation or an FDA-approved drug label annotation. Annotations of drug labels or clinical guidelines must give prescribing guidance for specific variants (e.g. CYP2C9*3, HLA-B*57:01) or provide mapping from defined allele functions to diplotypes and phenotypes to be used as supporting evidence for a level 1A clinical annotation. Level 1A clinical annotations must also be supported by at least one publication in addition to a clinical guideline or drug label with variant-specific prescribing guidance.

Drug is not necessarily used to treat response condition

ClinPGx
Classification: drug response for enflurane response - Toxicity. Last evaluated: 2021-03-24. Review status: reviewed by expert panel. Criteria: Pharmacogenomics knowledge for personalized medicine. Collection method: curation. Allele origin: germline. Affected: yes.
Comment: the same text as in the submission from ClinPGx above.

ClinPGx
Classification: drug response for halothane response - Toxicity. Last evaluated: 2021-03-24. Review status: reviewed by expert panel. Criteria: Pharmacogenomics knowledge for personalized medicine. Collection method: curation. Allele origin: germline. Affected: yes.
Comment: the same text as in the submission from ClinPGx above.

ClinPGx
Classification: drug response for isoflurane response - Toxicity. Last evaluated: 2021-03-24. Review status: reviewed by expert panel. Criteria: Pharmacogenomics knowledge for personalized medicine. Collection method: curation. Allele origin: germline. Affected: yes.
Comment: the same text as in the submission from ClinPGx above.

ClinPGx
Classification: drug response for methoxyflurane response - Toxicity. Last evaluated: 2021-03-24. Review status: reviewed by expert panel. Criteria: Pharmacogenomics knowledge for personalized medicine. Collection method: curation. Allele origin: germline. Affected: yes.
Comment: the same text as in the submission from ClinPGx above.

ClinPGx
Classification: drug response for sevoflurane response - Toxicity. Last evaluated: 2021-03-24. Review status: reviewed by expert panel. Criteria: Pharmacogenomics knowledge for personalized medicine. Collection method: curation. Allele origin: germline. Affected: yes.
Comment: the same text as in the submission from ClinPGx above.

ClinPGx
Classification: drug response for succinylcholine response - Toxicity. Last evaluated: 2021-03-24. Review status: reviewed by expert panel. Criteria: Pharmacogenomics knowledge for personalized medicine. Collection method: curation. Allele origin: germline. Affected: yes.
Comment: the same text as in the submission from ClinPGx above.

Laboratory for Molecular Medicine, Mass General Brigham Personalized Medicine
Classification: Pathogenic for Malignant hyperthermia of anesthesia. Last evaluated: 2020-06-11. Review status: criteria provided, single submitter. Criteria: ACMG Guidelines, 2015. Collection method: clinical testing. Allele origin: germline. Not counted in ClinVar's aggregate classification.
Comment: The p.Gly3990Val variant in RYR1 has been reported in at least 14 European individuals with malignant hyperthermia and segregated with disease in at least 7 affected individuals (Carpenter 2009, Merritt 2017, Miller 2018). It is absent from gnomAD. This variant has also been reported in ClinVar (Variation ID 133027) and was classified as drug response allele on 6/14/2019 by the PharmGKB ClinGen-approved expert panel. In vitro functional studies provide some evidence that this variant impacts protein function (Merritt 2017). In summary, this variant meets criteria to be classified as pathogenic for autosomal dominant malignant hyperthermia. ACMG/AMP criteria applied: PS4, PP1_Strong, PM2, PP3, PP4, PS3_Supporting.

RYR1 database
No classification provided. Review status: no classification provided. Collection method: not provided. Allele origin: unknown. Not counted in ClinVar's aggregate classification.

Literature cited by the submitters: PubMed 19648156 (cited by ClinPGx); PubMed 30236257 (cited by Laboratory for Molecular Medicine, Mass General Brigham Personalized Medicine); PubMed 28403410 (cited by Laboratory for Molecular Medicine, Mass General Brigham Personalized Medicine); PubMed 16917943 (cited by Laboratory for Molecular Medicine, Mass General Brigham Personalized Medicine).